The following is an entry in ClinVar:

NM_000525.4(KCNJ11):c.498C>A (p.Cys166Ter)

Gene: KCNJ11 (potassium inwardly rectifying channel subfamily J member 11; minus strand). Cytogenetic location: 11p15.1.
Variant type: single nucleotide variant.
Coding change: c.498C>A on transcript NM_000525.4 (MANE Select); coding-DNA position 498, C replaced by A.
Protein change: p.Cys166Ter; replaces cysteine 166 with a stop codon.
Molecular consequence: nonsense.
Genome position (GRCh38, 1-based): chr11:17,387,594, G>T on the plus strand (C>A on the coding strand, the complement: KCNJ11 is on the minus strand). VCF-style: chr11-17387594-G-T. GRCh37 (hg19) VCF-style: chr11-17409141-G-T.
Other names: c.237C>A, p.Cys79Ter (NM_001166290.2, NM_001377296.1, NM_001377297.1); short protein forms C166*, C79*.
Identifiers: ClinVar variation 557258 (VCV000557258.3), dbSNP rs587783669, ClinGen allele CA379773220.

ClinVar aggregate classification (germline): Uncertain significance. Review status: criteria provided, single submitter (1 of 4 stars). 2 submissions from 2 submitters: Uncertain significance (1). 1 of the submissions does not count toward it.

Conditions:
Maturity-onset diabetes of the young (MODY). Also called: Maturity onset diabetes mellitus in young. Identifiers: Orphanet 552, MedGen C0342276, MONDO:0018911, HP:0004904.
Diabetes mellitus, transient neonatal, 3 (TNDM3). Identifiers: Orphanet 99886, MedGen C1864623, MONDO:0012522, OMIM 610582. Disease mechanism: loss of function.
Hyperinsulinemic hypoglycemia, familial, 2. Also called: HYPERINSULINEMIC HYPOGLYCEMIA, PERSISTENT; HYPERINSULINISM, NEONATAL. Identifiers: Orphanet 276580, Orphanet 276603, MedGen C2931833, MONDO:0011153, OMIM 601820. Disease mechanism: loss of function.
Permanent neonatal diabetes mellitus 1. Also called: GCK-Related Permanent Neonatal Diabetes Mellitus. Identifiers: MedGen C5393570, MONDO:0100165, OMIM 606176.

Submissions (2):

Clinical Genomics, Uppaluri K&H Personalized Medicine Clinic
Classification: Uncertain significance for Maturity-onset diabetes of the young. Review status: criteria provided, single submitter. Criteria: K&H Uppaluri Personalized Medicine Clinic Variant Classification & Assertion Criteria. Collection method: research. Allele origin: somatic. Inheritance: Autosomal dominant inheritance.
Comment: Mutations in KCNJ11 gene can cause decreased production and secretion of insulin. This can lead to MODY which may be responsive to oral sulfonylureas.KCNJ11 gene variants are also associated with Neonatal Diabetes. However, no sufficient evidence is found to ascertain the role of rs587783669 variant in MODY yet.

Counsyl
Classification: Likely pathogenic for Hyperinsulinemic hypoglycemia, familial, 2; Permanent neonatal diabetes mellitus 1; Diabetes mellitus, transient neonatal, 3. Last evaluated: 2018-03-14. Review status: no assertion criteria provided. Collection method: clinical testing. Allele origin: unknown. Not counted in ClinVar's aggregate classification.

Literature cited by the submitters: PubMed 26448950 (cited by Clinical Genomics, Uppaluri K&H Personalized Medicine Clinic); PubMed 15580558 (cited by Clinical Genomics, Uppaluri K&H Personalized Medicine Clinic); PubMed 15718250 (cited by Clinical Genomics, Uppaluri K&H Personalized Medicine Clinic).